The following is an entry in ClinVar:

Conditions:
Breast-ovarian cancer, familial, susceptibility to, 1 (BROVCA1). Also called: BRCA1 Hereditary Breast and Ovarian Cancer; OVARIAN CANCER, SUSCEPTIBILITY TO. Identifiers: Orphanet 145, MedGen C2676676, MONDO:0011450, OMIM 604370. Disease mechanism: loss of function.

Submission:

Brotman Baty Institute, University of Washington
No classification provided (evidence only). Condition: Breast-ovarian cancer, familial 1. Review status: no classification provided. Collection method: in vitro. Allele origin: not applicable. Functional consequence: functionally_normal.
ClinVar note: "not provided" was previously submitted as the classification for the variant. However, the classification appeared to be based only on an observation of functional data so it was converted to no classification on 2025-07-30.

NM_007294.4(BRCA1):c.5153-29G>T

Gene: BRCA1 (BRCA1 DNA repair associated; minus strand). Cytogenetic location: 17q21.31.
Variant type: single nucleotide variant.
Coding change: c.5153-29G>T on transcript NM_007294.4 (MANE Select); 29 bases into the intron before coding-DNA position 5153, G replaced by T.
Molecular consequence: intron variant.
Genome position (GRCh38, 1-based): chr17:43,063,402, C>A on the plus strand (G>T on the coding strand, the complement: BRCA1 is on the minus strand). VCF-style: chr17-43063402-C-A. GRCh37 (hg19) VCF-style: chr17-41215419-C-A.
Other names: c.1718-29G>T (NM_001408434.1, NM_001408440.1, NM_001408433.1 and 10 more transcripts); c.5027-29G>T (NM_001407672.1, NM_001407678.1, NM_001407673.1 and 10 more transcripts); c.1838-29G>T (NM_001408398.1, NM_001408400.1, NM_001408392.1 and 8 more transcripts); c.1841-29G>T (NM_001407992.1, NM_001407981.1, NM_007298.4 and 12 more transcripts); c.5147-29G>T (NM_001407629.1, NM_001407636.1, NM_001407639.1 and 14 more transcripts); c.5150-29G>T (NM_001407612.1, NM_001407859.1, NM_001407620.1 and 17 more transcripts); c.1721-29G>T (NM_001408428.1, NM_001408429.1, NM_001408426.1 and 4 more transcripts); c.5030-29G>T (NM_001407666.1, NM_001407919.1, NM_001407937.1 and 6 more transcripts); and 72 more.
Identifiers: ClinVar variation 867408 (VCV000867408.3), dbSNP rs2051879159, ClinGen allele CA916080112.